The following is an entry in ClinVar:

ClinVar aggregate classification (germline): Pathogenic. Review status: criteria provided, multiple submitters, no conflicts (2 of 4 stars). 2 submissions from 2 submitters: Pathogenic (2). Last evaluated 2025-03-24.

Conditions:
Multiple sulfatase deficiency (MSD). Also called: Mucosulfatidosis; Multiple Sulfatase Deficiency Disease; Sulfatidosis, Juvenile, Austin Type. Identifiers: Orphanet 585, MedGen C0268263, MONDO:0010088, OMIM 272200.

Allele frequency attached by ClinVar (database versions not stated): gnomAD exomes 0.00001.
gnomAD v4.1: 3 of 1,613,856 alleles (0.00019%); highest among the groups gnomAD compares: Non-Finnish European, 0.00025%; no homozygotes.

Submissions (2):

Women's Health and Genetics/Laboratory Corporation of America, LabCorp
Classification: Pathogenic for Multiple sulfatase deficiency. Last evaluated: 2025-03-24. Review status: criteria provided, single submitter. Criteria: LabCorp Variant Classification Summary - May 2015. Collection method: clinical testing. Allele origin: germline.
Comment: Variant summary: SUMF1 c.826C>T (p.Gln276X) results in a premature termination codon, predicted to cause a truncation of the encoded protein or absence of the protein due to nonsense mediated decay, which are commonly known mechanisms for disease. The variant was absent in 251246 control chromosomes. To our knowledge, no occurrence of c.826C>T in individuals affected with Multiple sulfatase deficiency and no experimental evidence demonstrating its impact on protein function have been reported. ClinVar contains an entry for this variant (Variation ID: 1431236). Based on the evidence outlined above, the variant was classified as pathogenic.

Labcorp Genetics (formerly Invitae), Labcorp
Classification: Pathogenic for Multiple sulfatase deficiency. Last evaluated: 2023-09-28. Review status: criteria provided, single submitter. Criteria: Invitae Variant Classification Sherloc (09022015). Collection method: clinical testing. Allele origin: germline.
Comment: For these reasons, this variant has been classified as Pathogenic. ClinVar contains an entry for this variant (Variation ID: 1431236). This variant has not been reported in the literature in individuals affected with SUMF1-related conditions. This variant is not present in population databases (gnomAD no frequency). This sequence change creates a premature translational stop signal (p.Gln276*) in the SUMF1 gene. It is expected to result in an absent or disrupted protein product. Loss-of-function variants in SUMF1 are known to be pathogenic (PMID: 12757705, 12757706, 25885655).

Literature cited by the submitters: PubMed 12757705 (cited by Labcorp Genetics (formerly Invitae), Labcorp); PubMed 12757706 (cited by Labcorp Genetics (formerly Invitae), Labcorp); PubMed 25885655 (cited by Labcorp Genetics (formerly Invitae), Labcorp).

NM_182760.4(SUMF1):c.826C>T (p.Gln276Ter)

Gene: SUMF1 (sulfatase modifying factor 1; minus strand). Cytogenetic location: 3p26.1.
Variant type: single nucleotide variant.
Coding change: c.826C>T on transcript NM_182760.4 (MANE Select); coding-DNA position 826, C replaced by T.
Protein change: p.Gln276Ter; replaces glutamine 276 with a stop codon.
Molecular consequence: nonsense.
Genome position (GRCh38, 1-based): chr3:4,417,142, G>A on the plus strand (C>T on the coding strand, the complement: SUMF1 is on the minus strand). VCF-style: chr3-4417142-G-A. GRCh37 (hg19) VCF-style: chr3-4458826-G-A.
Other names: c.751C>T, p.Gln251Ter (NM_001164674.2); c.826C>T, p.Gln276Ter (NM_001164675.2); short protein forms Q276*, Q251*.
Identifiers: ClinVar variation 1431236 (VCV001431236.7), dbSNP rs1478570923, ClinGen allele CA351631997.